The following is an entry in ClinVar:

NM_001025389.2(AMPD3):c.1131C>T (p.His377=)

Gene: AMPD3 (adenosine monophosphate deaminase 3; plus strand). Cytogenetic location: 11p15.4.
Variant type: single nucleotide variant.
Coding change: c.1131C>T on transcript NM_001025389.2 (MANE Select); coding-DNA position 1131, C replaced by T.
Protein change: p.His377=; no amino-acid change (histidine 377 retained).
Molecular consequence: synonymous variant.
Genome position (GRCh38, 1-based): chr11:10,493,540, C>T. VCF-style: chr11-10493540-C-T. GRCh37 (hg19) VCF-style: chr11-10515087-C-T.
Other names: c.1158C>T, p.His386= (NM_000480.3); c.1152C>T, p.His384= (NM_001025390.2); c.1131C>T, p.His377= (NM_001172430.1); c.654C>T, p.His218= (NM_001172431.2).
Identifiers: ClinVar variation 302166 (VCV000302166.10), dbSNP rs76407515, ClinGen allele CA5882870.

ClinVar aggregate classification (germline): Benign/Likely benign. Review status: criteria provided, multiple submitters, no conflicts (2 of 4 stars). 4 submissions from 4 submitters: Benign (1); Likely benign (3). Last evaluated 2021-08-06.

Conditions:
Erythrocyte AMP deaminase deficiency. Identifiers: Orphanet 45, MedGen C2752073, OMIM 612874, MONDO:0020734.

Allele frequency attached by ClinVar (database versions not stated): gnomAD exomes 0.00265; 1000 Genomes Project 0.00958; 1000 Genomes Project 30x 0.00968; ESP Exome Variant Server 0.01139; ExAC 0.00350; gnomAD 0.00968 and 0.01030; TOPMed 0.01130.
gnomAD v4.1: 2,936 of 1,613,854 alleles (0.18%); highest among the groups gnomAD compares: African/African-American, 3.3%; 49 homozygotes.

Submissions (4):

Fulgent Genetics
Classification: Likely benign for Erythrocyte AMP deaminase deficiency. Last evaluated: 2021-08-06. Review status: criteria provided, single submitter. Criteria: ACMG Guidelines, 2015. Collection method: clinical testing. Allele origin: unknown.

Labcorp Genetics (formerly Invitae), Labcorp
Classification: Benign. Last evaluated: 2018-06-25. Review status: criteria provided, single submitter. Criteria: Invitae Variant Classification Sherloc (09022015). Collection method: clinical testing. Allele origin: germline.

Illumina Laboratory Services, Illumina
Classification: Likely benign for Erythrocyte AMP deaminase deficiency. Last evaluated: 2018-01-12. Review status: criteria provided, single submitter. Criteria: ICSL Variant Classification Criteria 13 December 2019. Collection method: clinical testing. Allele origin: germline.
Comment: This variant was observed in the ICSL laboratory as part of a predisposition screen in an ostensibly healthy population. It had not been previously curated by ICSL or reported in the Human Gene Mutation Database (HGMD: prior to June 1st, 2018), and was therefore a candidate for classification through an automated scoring system. Utilizing variant allele frequency, disease prevalence and penetrance estimates, and inheritance mode, an automated score was calculated to assess if this variant is too frequent to cause the disease. Based on the score and internal cut-off values, a variant classified as likely benign is not then subjected to further curation. The score for this variant resulted in a classification of likely benign for this disease.

Breakthrough Genomics
Classification: Likely benign. Review status: criteria provided, single submitter. Criteria: ACMG Guidelines, 2015. Collection method: not provided. Allele origin: germline. Inheritance: Autosomal recessive inheritance. Affected: yes.